The following is an entry in ClinVar:

NM_021629.4(GNB4):c.403G>A (p.Val135Ile)

Gene: GNB4 (G protein subunit beta 4; minus strand). Cytogenetic location: 3q26.33.
Variant type: single nucleotide variant.
Coding change: c.403G>A on transcript NM_021629.4 (MANE Select); coding-DNA position 403, G replaced by A.
Protein change: p.Val135Ile; replaces valine 135 with isoleucine.
Molecular consequence: missense variant.
Genome position (GRCh38, 1-based): chr3:179,414,912, C>T on the plus strand (G>A on the coding strand, the complement: GNB4 is on the minus strand). VCF-style: chr3-179414912-C-T. GRCh37 (hg19) VCF-style: chr3-179132700-C-T.
Other names: short protein forms V135I.
Identifiers: ClinVar variation 2757973 (VCV002757973.3), dbSNP rs2473904164, ClinGen allele CA355469924.

ClinVar aggregate classification (germline): Uncertain significance (1 of 4 stars; one submission).

Conditions:
Charcot-Marie-Tooth disease dominant intermediate F. Identifiers: Orphanet 352670, MedGen C4749463, MONDO:0014074, OMIM 615185.

Submission:

Labcorp Genetics (formerly Invitae), Labcorp
Classification: Uncertain significance for Charcot-Marie-Tooth disease dominant intermediate F. Last evaluated: 2023-09-26. Review status: criteria provided, single submitter. Criteria: Invitae Variant Classification Sherloc (09022015). Collection method: clinical testing. Allele origin: germline.
Comment: Advanced modeling of protein sequence and biophysical properties (such as structural, functional, and spatial information, amino acid conservation, physicochemical variation, residue mobility, and thermodynamic stability) performed at Invitae indicates that this missense variant is not expected to disrupt GNB4 protein function. In summary, the available evidence is currently insufficient to determine the role of this variant in disease. Therefore, it has been classified as a Variant of Uncertain Significance. This variant has not been reported in the literature in individuals affected with GNB4-related conditions. This variant is not present in population databases (gnomAD no frequency). This sequence change replaces valine, which is neutral and non-polar, with isoleucine, which is neutral and non-polar, at codon 135 of the GNB4 protein (p.Val135Ile).